The following is an entry in ClinVar:

NM_000077.5(CDKN2A):c.52_57dup (p.Ala19_Ala20insThrAla)

Gene: CDKN2A (cyclin dependent kinase inhibitor 2A; minus strand). Cytogenetic location: 9p21.3.
Variant type: Duplication.
Coding change: c.52_57dup on transcript NM_000077.5; coding-DNA positions 52 to 57, 6 bases duplicated (ACGGCC; older notation c.52_57dupACGGCC).
Protein change: p.Ala19_Ala20insThrAla.
Molecular consequence: inframe indel (on NM_000077.4). On other transcripts: inframe insertion (2), intron variant (2).
Genome position (GRCh38, 1-based): chr9:21,974,771-21,974,776, GGCCGT duplicated on the plus strand (ACGGCC on the coding strand, the reverse complement: CDKN2A is on the minus strand); duplicating any 6 consecutive bases within chr9:21,974,771-21,974,780 gives the same sequence; the c. name uses the placement nearest the transcript's 3' end. VCF-style (leftmost placement, unchanged base first): chr9-21974770-C-CGGCCGT. GRCh37 (hg19) VCF-style: chr9-21974769-C-CGGCCGT.
Other names: c.52_57dup, p.Thr18_Ala19dup (NM_000077.4); c.52_57dupACGGCC (NM_000077.4); c.48_53dup, p.Ala19_Ala20insThrAla (NM_000077.6); c.52_57dup, p.Ala19_Ala20insThrAla (NM_001195132.2, NM_058197.5); c.-3-3568_-3-3563dup (NM_001363763.2); c.194-3568_194-3563dup (NM_058195.4).
Identifiers: ClinVar variation 579466 (VCV000579466.15), dbSNP rs1563892769, ClinGen allele CA645552628.

ClinVar aggregate classification (germline): Conflicting classifications of pathogenicity. Review status: criteria provided, conflicting classifications (1 of 4 stars). 4 submissions from 4 submitters: Likely pathogenic (3); Uncertain significance (1). Last evaluated 2025-08-14.

Conditions:
Familial melanoma. Also called: Hereditary melanoma; Hereditary cutaneous melanoma. Identifiers: Orphanet 618, MedGen C1512419, MONDO:0018961.
Hereditary cancer-predisposing syndrome. Also called: Hereditary neoplastic syndrome; Neoplastic Syndromes, Hereditary; Hereditary Cancer Syndrome; Tumor predisposition. Identifiers: Orphanet 140162, MedGen C0027672, MeSH D009386, MONDO:0015356.
Melanoma-pancreatic cancer syndrome. Identifiers: Orphanet 404560, MedGen C1838547, MONDO:0011713, OMIM 606719. Disease mechanism: loss of function.

Submissions (4):

Myriad Genetics, Inc.
Classification: Likely pathogenic for Melanoma-pancreatic cancer syndrome. Last evaluated: 2025-08-14. Review status: criteria provided, single submitter. Criteria: Myriad Autosomal Dominant, Autosomal Recessive and X-Linked Classification Criteria (2023). Collection method: clinical testing. Allele origin: unknown.
Comment: This variant is considered likely pathogenic. This variant has been reported in multiple individuals with clinical features of gene-specific disease [PMID: 11579459, 19260062, 25780468, Myriad internal data]. Functional studies indicate this variant impacts protein function [PMID: 19260062].

Ambry Genetics
Classification: Likely pathogenic for Hereditary cancer-predisposing syndrome. Last evaluated: 2025-01-02. Review status: criteria provided, single submitter. Criteria: Ambry Variant Classification Scheme 2023. Collection method: clinical testing. Allele origin: germline.
Comment: The c.52_57dupACGGCC variant (also known as p.T18_A19dup), located in coding exon 1 of the CDKN2A gene, results from an in-frame duplication of ACGGCC at nucleotide positions 52 to 57. This results in the duplication of 2 extra residues (TA) between codons 18 and 19. This alteration has been detected in multiple familial melanoma and/or pancreatic cancer cohorts (Soufir N et al. Hum Mol Genet, 1998 Feb;7:209-16; Maubec E et al. J Am Acad Dermatol, 2012 Dec;67:1257-64; Taylor NJ et al. J Invest Dermatol, 2017 12;137:2606-2612; Schwartz M et al. Clin Genet, 2019 12;96:579-584). This alteration was found to be non-functional in a CDK4 binding assay (Kannengiesser C et al. Hum Mutat, 2009 Apr;30:564-74). This variant is considered to be rare based on population cohorts in the Genome Aggregation Database (gnomAD). These amino acid positions are not well conserved in available vertebrate species. In addition, this alteration is predicted to be deleterious by in silico analysis (Choi Y et al. PLoS ONE. 2012; 7(10):e46688). Based on the majority of available evidence to date, this variant is likely to be pathogenic.

Labcorp Genetics (formerly Invitae), Labcorp
Classification: Uncertain significance for Familial melanoma. Last evaluated: 2024-09-08. Review status: criteria provided, single submitter. Criteria: Invitae Variant Classification Sherloc (09022015). Collection method: clinical testing. Allele origin: germline.
Comment: This variant, c.52_57dup, results in the insertion of 2 amino acid(s) of the CDKN2A (p16INK4a) protein (p.Thr18_Ala19dup), but otherwise preserves the integrity of the reading frame. This variant is not present in population databases (gnomAD no frequency). This variant has been observed in individual(s) with cutaneous melanoma and/or familial and/or primary melanomas (PMID: 9425228, 16905682, 17047042, 19260062, 22841127, 25780468, 32941720). It has also been observed to segregate with disease in related individuals. This variant is also known as "ins 6 at 57" and c.52_57dup6. ClinVar contains an entry for this variant (Variation ID: 579466). Algorithms developed to predict the effect of variants on gene product structure and function are not available or were not evaluated for this variant. Experimental studies have shown that this variant affects CDKN2A (p16INK4a) function (PMID: 19260062). In summary, the available evidence is currently insufficient to determine the role of this variant in disease. Therefore, it has been classified as a Variant of Uncertain Significance.

GeneDx
Classification: Likely pathogenic. Last evaluated: 2022-12-14. Review status: criteria provided, single submitter. Criteria: GeneDx Variant Classification Process June 2021. Collection method: clinical testing. Allele origin: germline. Affected: yes.
Comment: Identified in patients with familial and/or multiple primary melanoma and/or pancreatic cancer (Soufir et al., 1998; Kannengiesser et al., 2009; Mathias et al., 2009); Published functional studies suggest a damaging effect: abolished CDK4 binding (Kannengiesser et al., 2009); Not observed at significant frequency in large population cohorts (gnomAD); In-frame insertion of 2 amino acids in a non-repeat region; In silico analysis supports that this variant does not alter protein structure/function; This variant is associated with the following publications: (PMID: 9425228, 19260062, 28830827, 16905682, 31432501, 33237286)

Literature cited by the submitters: PubMed 11579459 (cited by Myriad Genetics, Inc.); PubMed 19260062 (cited by 3 submitters); PubMed 25780468 (cited by Myriad Genetics, Inc. and Labcorp Genetics (formerly Invitae), Labcorp); PubMed 22841127 (cited by Ambry Genetics and Labcorp Genetics (formerly Invitae), Labcorp); PubMed 28830827 (cited by Ambry Genetics); PubMed 31432501 (cited by Ambry Genetics); PubMed 9425228 (cited by Ambry Genetics and Labcorp Genetics (formerly Invitae), Labcorp); PubMed 16905682 (cited by Labcorp Genetics (formerly Invitae), Labcorp); PubMed 17047042 (cited by Labcorp Genetics (formerly Invitae), Labcorp); PubMed 32941720 (cited by Labcorp Genetics (formerly Invitae), Labcorp).